The following is an entry in ClinVar:

ClinVar aggregate classification (germline): Benign (0 of 4 stars; one submission).

Conditions:
MYRF-related disorder. Also called: MYRF-related disorders; MYRF-related condition.

Allele frequency attached by ClinVar (database versions not stated): ESP Exome Variant Server 0.00008; TOPMed 0.00030; gnomAD 0.00133; 1000 Genomes Project 30x 0.00172; 1000 Genomes Project 0.00220; ExAC 0.00273.
gnomAD v4.1: 1,563 of 1,565,352 alleles (0.1%); highest among the groups gnomAD compares: South Asian, 0.47%; 12 homozygotes.

Submission:

PreventionGenetics, part of Exact Sciences
Classification: Benign for MYRF-related condition. Last evaluated: 2019-09-09. Review status: no assertion criteria provided. Collection method: clinical testing. Allele origin: germline.
Comment: This variant is classified as benign based on ACMG/AMP sequence variant interpretation guidelines (Richards et al. 2015 PMID: 25741868, with internal and published modifications).

NM_001127392.3(MYRF):c.701C>T (p.Ser234Phe)

Gene: MYRF (myelin regulatory factor; plus strand). Cytogenetic location: 11q12.2.
Variant type: single nucleotide variant.
Coding change: c.701C>T on transcript NM_001127392.3 (MANE Select); coding-DNA position 701, C replaced by T.
Protein change: p.Ser234Phe; replaces serine 234 with phenylalanine.
Molecular consequence: missense variant.
Genome position (GRCh38, 1-based): chr11:61,770,486, C>T. VCF-style: chr11-61770486-C-T. GRCh37 (hg19) VCF-style: chr11-61537958-C-T.
Other names: c.674C>T, p.Ser225Phe (NM_013279.4); short protein forms S225F, S234F.
Identifiers: ClinVar variation 3050477 (VCV003050477.2), dbSNP rs139124174, ClinGen allele CA6037609.